The following is an entry in ClinVar:

ClinVar aggregate classification (germline): Uncertain significance. Review status: criteria provided, multiple submitters, no conflicts (2 of 4 stars). 2 submissions from 2 submitters: Uncertain significance (2). Last evaluated 2024-06-02.

Conditions:
Hereditary cancer-predisposing syndrome. Also called: Tumor predisposition; Hereditary Cancer Syndrome; Hereditary neoplastic syndrome; Neoplastic Syndromes, Hereditary. Identifiers: Orphanet 140162, MedGen C0027672, MeSH D009386, MONDO:0015356.
Hereditary nonpolyposis colorectal neoplasms. Identifiers: MedGen C0009405, MeSH D003123.

gnomAD v4.1: 1 of 1,463,150 alleles (0.000068%); highest among the groups gnomAD compares: African/African-American, 0.0015%; no homozygotes.

Submissions (2):

Labcorp Genetics (formerly Invitae), Labcorp
Classification: Uncertain significance for Hereditary nonpolyposis colorectal neoplasms. Last evaluated: 2024-06-02. Review status: criteria provided, single submitter. Criteria: Invitae Variant Classification Sherloc (09022015). Collection method: clinical testing. Allele origin: germline.
Comment: This sequence change replaces leucine, which is neutral and non-polar, with methionine, which is neutral and non-polar, at codon 76 of the MSH6 protein (p.Leu76Met). This variant is not present in population databases (gnomAD no frequency). This variant has not been reported in the literature in individuals affected with MSH6-related conditions. ClinVar contains an entry for this variant (Variation ID: 486907). Advanced modeling of protein sequence and biophysical properties (such as structural, functional, and spatial information, amino acid conservation, physicochemical variation, residue mobility, and thermodynamic stability) performed at Invitae indicates that this missense variant is not expected to disrupt MSH6 protein function with a negative predictive value of 95%. In summary, the available evidence is currently insufficient to determine the role of this variant in disease. Therefore, it has been classified as a Variant of Uncertain Significance.

Ambry Genetics
Classification: Uncertain significance for Hereditary cancer-predisposing syndrome. Last evaluated: 2017-02-22. Review status: criteria provided, single submitter. Criteria: Ambry Variant Classification Scheme 2023. Collection method: clinical testing. Allele origin: germline.
Comment: The p.L76M variant (also known as c.226C>A), located in coding exon 1 of the MSH6 gene, results from a C to A substitution at nucleotide position 226. The leucine at codon 76 is replaced by methionine, an amino acid with highly similar properties. This amino acid position is highly conserved in available vertebrate species. In addition, this alteration is predicted to be tolerated by in silico analysis. In addition, the CoDP in silico tool predicts this alteration to have minor impact on molecular function, with a score of 0.000 (Terui H et al. J. Biomed. Sci. 2013 Apr;20:25). Since supporting evidence is limited at this time, the clinical significance of this alteration remains unclear.

NM_000179.3(MSH6):c.226C>A (p.Leu76Met)

Gene: MSH6 (mutS homolog 6; plus strand). Cytogenetic location: 2p16.3.
Variant type: single nucleotide variant.
Coding change: c.226C>A on transcript NM_000179.3 (MANE Select); coding-DNA position 226, C replaced by A.
Protein change: p.Leu76Met; replaces leucine 76 with methionine.
Molecular consequence: missense variant. On other transcripts: 5 prime UTR variant (1).
Genome position (GRCh38, 1-based): chr2:47,783,459, C>A. VCF-style: chr2-47783459-C-A. GRCh37 (hg19) VCF-style: chr2-48010598-C-A.
Other names: c.226C>A, p.Leu76Met (NM_001281492.2); c.-511C>A (NM_001281493.2); short protein forms L76M.
Identifiers: ClinVar variation 486907 (VCV000486907.7), dbSNP rs1553408398, ClinGen allele CA346735093.